The following is an entry in ClinVar:

ClinVar aggregate classification (germline): Uncertain significance (1 of 4 stars; one submission).

Conditions:
Inborn genetic diseases. Identifiers: MedGen C0950123, MeSH D030342.

Submission:

Ambry Genetics
Classification: Uncertain significance for Inborn genetic diseases. Last evaluated: 2025-06-08. Review status: criteria provided, single submitter. Criteria: Ambry Variant Classification Scheme 2023. Collection method: clinical testing. Allele origin: germline.
Comment: The p.R213G variant (also known as c.637C>G), located in coding exon 7 of the RTEL1 gene, results from a C to G substitution at nucleotide position 637. The arginine at codon 213 is replaced by glycine, an amino acid with dissimilar properties. This amino acid position is conserved. In addition, this alteration is predicted to be deleterious by in silico analysis. Based on the available evidence, the clinical significance of this variant remains unclear.

NM_001283009.2(RTEL1):c.637C>G (p.Arg213Gly)

Genes: RTEL1 (regulator of telomere elongation helicase 1; plus strand), RTEL1-TNFRSF6B (RTEL1-TNFRSF6B readthrough (NMD candidate); plus strand). Cytogenetic location: 20q13.33.
Variant type: single nucleotide variant.
Coding change: c.637C>G on transcript NM_001283009.2 (MANE Select); coding-DNA position 637, C replaced by G.
Protein change: p.Arg213Gly; replaces arginine 213 with glycine.
Molecular consequence: missense variant. On other transcripts: non-coding transcript variant (1), 5 prime UTR variant (1).
Genome position (GRCh38, 1-based): chr20:63,667,491, C>G. VCF-style: chr20-63667491-C-G. GRCh37 (hg19) VCF-style: chr20-62298844-C-G.
Other names: c.-33C>G (NM_001283010.1); c.637C>G, p.Arg213Gly (NM_016434.4); c.709C>G, p.Arg237Gly (NM_032957.5); short protein forms R213G, R237G.
Identifiers: ClinVar variation 3948473 (VCV003948473.1).
Genomic context (GRCh38, chr20:63,667,491, plus strand): 5'-TGGGGTGCTCACAGGATCTTCTCCTCTCTCCTTCCCAGGGTGTGCCCTTACTACCTGTCC[C>G]GGAACCTGAAGCAGCAAGCCGACATCATATTCATGCCGTACAATTACTTGTTGGATGCCA-3'
Protein context (NP_001269938.1, residues 203-223): KHRVCPYYLS[Arg213Gly]NLKQQADIIF